The following is an entry in ClinVar:

NM_001386795.1(DTNA):c.506A>G (p.Gln169Arg)

Gene: DTNA (dystrobrevin alpha; plus strand). Cytogenetic location: 18q12.1.
Variant type: single nucleotide variant.
Coding change: c.506A>G on transcript NM_001386795.1 (MANE Select); coding-DNA position 506, A replaced by G.
Protein change: p.Gln169Arg; replaces glutamine 169 with arginine.
Molecular consequence: missense variant.
Genome position (GRCh38, 1-based): chr18:34,812,016, A>G. VCF-style: chr18-34812016-A-G. GRCh37 (hg19) VCF-style: chr18-32391980-A-G.
Other names: c.506A>G, p.Gln169Arg (NM_001128175.2, NM_001198938.2, NM_001198939.2 and 35 more transcripts); short protein forms Q169R.
Identifiers: ClinVar variation 569675 (VCV000569675.11), dbSNP rs201674479, ClinGen allele CA298589904.
Genomic context (GRCh38, chr18:34,812,016, plus strand): 5'-CAGATATTTTCTCAATGATTTCTGACTCCAGTGGGGTGATGGTTTATGGACGATATGACC[A>G]ATTCCTTCGGGAAGTTCTCAAACTACCCACGGCAGTTTTTGAAGGTCCTTCATTTGGTTA-3'
Protein context (NP_001373724.1, residues 159-179): SGVMVYGRYD[Gln169Arg]FLREVLKLPT

ClinVar aggregate classification (germline): Uncertain significance (1 of 4 stars; one submission).

Conditions:
Left ventricular noncompaction 1 (LVNC1). Also called: LEFT VENTRICULAR NONCOMPACTION 1 WITH OR WITHOUT CONGENITAL HEART DEFECTS. Identifiers: Orphanet 54260, MedGen C1858725, MONDO:0011403, OMIM 604169.

Allele frequency attached by ClinVar (database versions not stated): TOPMed below 0.00001; gnomAD 0.00001; gnomAD exomes 0.00001 and 0.00002; 1000 Genomes Project 30x 0.00016; 1000 Genomes Project 0.00020.
gnomAD v4.1: 7 of 1,614,126 alleles (0.00043%); highest among the groups gnomAD compares: East Asian, 0.016%; no homozygotes.

Submission:

Labcorp Genetics (formerly Invitae), Labcorp
Classification: Uncertain significance for Left ventricular noncompaction 1. Last evaluated: 2024-06-09. Review status: criteria provided, single submitter. Criteria: Invitae Variant Classification Sherloc (09022015). Collection method: clinical testing. Allele origin: germline.
Comment: This sequence change replaces glutamine, which is neutral and polar, with arginine, which is basic and polar, at codon 169 of the DTNA protein (p.Gln169Arg). This variant is present in population databases (rs201674479, gnomAD 0.02%). This variant has not been reported in the literature in individuals affected with DTNA-related conditions. ClinVar contains an entry for this variant (Variation ID: 569675). Advanced modeling of protein sequence and biophysical properties (such as structural, functional, and spatial information, amino acid conservation, physicochemical variation, residue mobility, and thermodynamic stability) performed at Invitae indicates that this missense variant is not expected to disrupt DTNA protein function with a negative predictive value of 80%. In summary, the available evidence is currently insufficient to determine the role of this variant in disease. Therefore, it has been classified as a Variant of Uncertain Significance.